The following is an entry in ClinVar:

ClinVar aggregate classification (germline): Likely benign (1 of 4 stars; one submission).

Conditions:
COL2A1-related disorder. Also called: COL2A1-related condition; COL2A1-related disorders.

Submission:

PreventionGenetics, part of Exact Sciences
Classification: Likely benign for COL2A1-related condition. Last evaluated: 2025-03-07. Review status: criteria provided, single submitter. Criteria: ACMG Guidelines, 2015. Collection method: clinical testing. Allele origin: germline.
Comment: This variant is classified as likely benign based on ACMG/AMP sequence variant interpretation guidelines (Richards et al. 2015 PMID: 25741868, with internal and published modifications).

NM_001844.5(COL2A1):c.86-55C>T

Gene: COL2A1 (collagen type II alpha 1 chain; minus strand). Cytogenetic location: 12q13.11.
Variant type: single nucleotide variant.
Coding change: c.86-55C>T on transcript NM_001844.5 (MANE Select); 55 bases into the intron before coding-DNA position 86, C replaced by T.
Molecular consequence: intron variant.
Genome position (GRCh38, 1-based): chr12:48,000,180, G>A on the plus strand (C>T on the coding strand, the complement: COL2A1 is on the minus strand). VCF-style: chr12-48000180-G-A. GRCh37 (hg19) VCF-style: chr12-48393963-G-A.
Other names: c.86-1749C>T (NM_033150.3).
Identifiers: ClinVar variation 4986734 (VCV004986734.1).